The following is an entry in ClinVar:

ClinVar aggregate classification (germline): Uncertain significance (1 of 4 stars; one submission).

Conditions:
APPL1-related disorder. Also called: APPL1-related condition.

Submission:

PreventionGenetics, part of Exact Sciences
Classification: Uncertain significance for APPL1-related condition. Last evaluated: 2022-10-17. Review status: criteria provided, single submitter. Criteria: ACMG Guidelines, 2015. Collection method: clinical testing. Allele origin: germline.
Comment: The APPL1 c.1616G>T variant is predicted to result in the amino acid substitution p.Arg539Leu. To our knowledge, this variant has not been reported in the literature or in a large population database, indicating this variant is rare. At this time, the clinical significance of this variant is uncertain due to the absence of conclusive functional and genetic evidence.

NM_012096.3(APPL1):c.1616G>T (p.Arg539Leu)

Gene: APPL1 (adaptor protein, phosphotyrosine interacting with PH domain and leucine zipper 1; plus strand). Cytogenetic location: 3p14.3.
Variant type: single nucleotide variant.
Coding change: c.1616G>T on transcript NM_012096.3 (MANE Select); coding-DNA position 1616, G replaced by T.
Protein change: p.Arg539Leu; replaces arginine 539 with leucine.
Molecular consequence: missense variant.
Genome position (GRCh38, 1-based): chr3:57,259,977, G>T. VCF-style: chr3-57259977-G-T. GRCh37 (hg19) VCF-style: chr3-57294005-G-T.
Other names: short protein forms R539L.
Identifiers: ClinVar variation 2628460 (VCV002628460.1), dbSNP rs752690932, ClinGen allele CA353299176.